The following is an entry in ClinVar:

NM_001277062.2(MFF):c.596G>A (p.Arg199His)

Gene: MFF (mitochondrial fission factor; plus strand). Cytogenetic location: 2q36.3.
Variant type: single nucleotide variant.
Coding change: c.596G>A on transcript NM_001277062.2 (MANE Select); coding-DNA position 596, G replaced by A.
Protein change: p.Arg199His; replaces arginine 199 with histidine.
Molecular consequence: missense variant. On other transcripts: intron variant (4).
Genome position (GRCh38, 1-based): chr2:227,347,381, G>A. VCF-style: chr2-227347381-G-A. GRCh37 (hg19) VCF-style: chr2-228212097-G-A.
Other names: c.749G>A, p.Arg250His (NM_001277061.2, NM_020194.5); c.446G>A, p.Arg149His (NM_001277067.1); c.479G>A, p.Arg160His (NM_001277068.1); c.515+4562G>A (NM_001277063.2); c.441-5133G>A (NM_001277064.2); c.440+7001G>A (NM_001277065.2, NM_001277066.2); short protein forms R149H, R199H, R160H, R250H.
Identifiers: ClinVar variation 1904868 (VCV001904868.5), dbSNP rs770994655, ClinGen allele CA2147986.

ClinVar aggregate classification (germline): Uncertain significance. Review status: criteria provided, multiple submitters, no conflicts (2 of 4 stars). 2 submissions from 2 submitters: Uncertain significance (2). Last evaluated 2024-11-11.

Allele frequency attached by ClinVar (database versions not stated): gnomAD 0.00001; TOPMed 0.00001.
gnomAD v4.1: 12 of 1,613,206 alleles (0.00074%); highest among the groups gnomAD compares: South Asian, 0.0044%; no homozygotes.

Submissions (2):

GeneDx
Classification: Uncertain significance. Last evaluated: 2024-11-11. Review status: criteria provided, single submitter. Criteria: GeneDx Variant Classification Process June 2021. Collection method: clinical testing. Allele origin: germline. Affected: yes.
Comment: Not observed at significant frequency in large population cohorts (gnomAD); In silico analysis indicates that this missense variant does not alter protein structure/function; Has not been previously published as pathogenic or benign to our knowledge

Labcorp Genetics (formerly Invitae), Labcorp
Classification: Uncertain significance. Last evaluated: 2022-07-30. Review status: criteria provided, single submitter. Criteria: Invitae Variant Classification Sherloc (09022015). Collection method: clinical testing. Allele origin: germline.
Comment: In summary, the available evidence is currently insufficient to determine the role of this variant in disease. Therefore, it has been classified as a Variant of Uncertain Significance. Algorithms developed to predict the effect of missense changes on protein structure and function are either unavailable or do not agree on the potential impact of this missense change (SIFT: "Deleterious"; PolyPhen-2: "Benign"; Align-GVGD: "Class C0"). This variant has not been reported in the literature in individuals affected with MFF-related conditions. This variant is present in population databases (rs770994655, gnomAD 0.01%). This sequence change replaces arginine, which is basic and polar, with histidine, which is basic and polar, at codon 250 of the MFF protein (p.Arg250His).